The following is an entry in ClinVar:

ClinVar aggregate classification (germline): Uncertain significance (1 of 4 stars; one submission).

Conditions:
GNAS-related disorder. Identifiers: MedGen CN380105.

gnomAD v4.1: 3 of 1,612,872 alleles (0.00019%); highest among the groups gnomAD compares: Non-Finnish European, 0.00025%; no homozygotes.

Submission:

PreventionGenetics, part of Exact Sciences
Classification: Uncertain significance for GNAS-related condition. Last evaluated: 2025-01-30. Review status: criteria provided, single submitter. Criteria: ACMG Guidelines, 2015. Collection method: clinical testing. Allele origin: germline.
Comment: The GNAS c.1568C>A variant is predicted to result in the amino acid substitution p.Pro523His. Of note, this variant would be referred to as c.-36707C>A with the more commonly reported isoform (NM_000516.6). To our knowledge, this variant has not been reported in the literature or in a large population database, indicating this variant is rare. At this time, the clinical significance of this variant is uncertain due to the absence of conclusive functional and genetic evidence.

NM_080425.4(GNAS):c.1755C>A (p.Thr585=)

Gene: GNAS (GNAS complex locus; plus strand). Cytogenetic location: 20q13.32.
Variant type: single nucleotide variant.
Coding change: c.1755C>A on transcript NM_080425.4 (MANE Plus Clinical); coding-DNA position 1755, C replaced by A.
Protein change: p.Thr585=; no amino-acid change (threonine 585 retained).
Molecular consequence: synonymous variant. On other transcripts: missense variant (2), intron variant (3).
Genome position (GRCh38, 1-based): chr20:58,855,020, C>A. VCF-style: chr20-58855020-C-A. GRCh37 (hg19) VCF-style: chr20-57430075-C-A.
Other names: c.1568C>A, p.Pro523His (NM_001077490.3, NM_001309883.1); c.1755C>A, p.Thr585= (NM_001410913.1); c.*42+14134C>A (NM_016592.5); c.43+14134C>A (NM_001410912.1); c.-39+13145C>A (NM_001309861.2); short protein forms P523H.
Identifiers: ClinVar variation 4990585 (VCV004990585.1).
Genomic context (GRCh38, chr20:58,855,020, plus strand): 5'-CGATGAAGGGGTGGCCAGCAGCGACGATGACTCCAGCGGAGACGAGTCCGACGATGGGAC[C>A]TCCGGATGCCTCCGCTGGTTTCAGCATCGGCGAAATCGCCGCCGCCGAAAGCCCCAGCGC-3'
Protein context (NP_536350.2, residues 575-595): DSSGDESDDG[Thr585=]SGCLRWFQHR